The following is an entry in ClinVar:

NM_139076.3(ABRAXAS1):c.266T>C (p.Leu89Ser)

Gene: ABRAXAS1 (abraxas 1, BRCA1 A complex subunit; minus strand). Cytogenetic location: 4q21.23.
Variant type: single nucleotide variant.
Coding change: c.266T>C on transcript NM_139076.3 (MANE Select); coding-DNA position 266, T replaced by C.
Protein change: p.Leu89Ser; replaces leucine 89 with serine.
Molecular consequence: missense variant. On other transcripts: intron variant (1).
Genome position (GRCh38, 1-based): chr4:83,472,238, A>G on the plus strand (T>C on the coding strand, the complement: ABRAXAS1 is on the minus strand). VCF-style: chr4-83472238-A-G. GRCh37 (hg19) VCF-style: chr4-84393391-A-G.
Other names: c.-45-1842T>C (NM_001345962.2); short protein forms L89S.
Identifiers: ClinVar variation 2625942 (VCV002625942.2), dbSNP rs2529443125, ClinGen allele CA357261050.
Genomic context (GRCh38, chr4:83,472,238, plus strand): 5'-AATGCAAATAATACCAAAAAAAGGGAAGATAAATTAGAGAATACCTTTTTGACATTTGAT[A>G]ATATTTTCTTCAGTGCTTGCTCATTTACTTCGCCTGAAGAATTATAAAAGCTGTAAAAGC-3'
Protein context (NP_620775.2, residues 79-99): EVNEQALKKI[Leu89Ser]SNVKKNVVGW

ClinVar aggregate classification (germline): Uncertain significance (1 of 4 stars; one submission).

Submission:

Ambry Genetics
Classification: Uncertain significance. Last evaluated: 2023-07-04. Review status: criteria provided, single submitter. Criteria: Ambry Variant Classification Scheme 2023. Collection method: clinical testing. Allele origin: germline.
Comment: The p.L89S variant (also known as c.266T>C), located in coding exon 4 of the FAM175A gene, results from a T to C substitution at nucleotide position 266. The leucine at codon 89 is replaced by serine, an amino acid with dissimilar properties. This amino acid position is conserved. In addition, the in silico prediction for this alteration is inconclusive. Since supporting evidence is limited at this time, the clinical significance of this alteration remains unclear.